The following is an entry in ClinVar:

ClinVar aggregate classification (germline): Likely pathogenic. Review status: criteria provided, single submitter (1 of 4 stars). 2 submissions from 2 submitters: Likely pathogenic (1). 1 of the submissions does not count toward it. Last evaluated 2025-12-29.

Conditions:
Peroxisome biogenesis disorder. Identifiers: Orphanet 79189, MedGen C1832200, MONDO:0019234. Disease mechanism: loss of function.
Peroxisome biogenesis disorder 4A (Zellweger) (PBD4A). Also called: Zellweger syndrome spectrum (PEX6-related). Identifiers: Orphanet 912, MedGen C3553936, MONDO:0013930, OMIM 614862. Disease mechanism: loss of function.
Peroxisome biogenesis disorder 4B (PBD4B). Also called: SPINOCEREBELLAR ATAXIA WITH BLINDNESS AND DEAFNESS 1. Identifiers: Orphanet 44, Orphanet 95433, MedGen C3553937, MONDO:0013931, OMIM 614863.

Submissions (2):

Labcorp Genetics (formerly Invitae), Labcorp
Classification: Likely pathogenic for Peroxisome biogenesis disorder. Last evaluated: 2025-12-29. Review status: criteria provided, single submitter. Criteria: Invitae Variant Classification Sherloc (09022015). Collection method: clinical testing. Allele origin: germline.
Comment: This sequence change affects a splice site in intron 6 of the PEX6 gene. It is expected to disrupt RNA splicing. Variants that disrupt the donor or acceptor splice site typically lead to a loss of protein function (PMID: 16199547), and loss-of-function variants in PEX6 are known to be pathogenic (PMID: 10408779, 21031596, 31831025). This variant is not present in population databases (gnomAD no frequency). This variant has not been reported in the literature in individuals affected with PEX6-related conditions. ClinVar contains an entry for this variant (Variation ID: 557926). Algorithms developed to predict the effect of sequence changes on RNA splicing suggest that this variant may disrupt the consensus splice site. In summary, the currently available evidence indicates that the variant is pathogenic, but additional data are needed to prove that conclusively. Therefore, this variant has been classified as Likely Pathogenic.

Counsyl
Classification: Likely pathogenic for Peroxisome biogenesis disorder 4A (Zellweger); Peroxisome biogenesis disorder 4B. Last evaluated: 2018-04-17. Review status: no assertion criteria provided. Collection method: clinical testing. Allele origin: unknown. Not counted in ClinVar's aggregate classification.

Literature cited by the submitters: PubMed 16199547 (cited by Labcorp Genetics (formerly Invitae), Labcorp); PubMed 10408779 (cited by Labcorp Genetics (formerly Invitae), Labcorp); PubMed 21031596 (cited by Labcorp Genetics (formerly Invitae), Labcorp); PubMed 31831025 (cited by Labcorp Genetics (formerly Invitae), Labcorp).

NM_000287.4(PEX6):c.1479+2del

Gene: PEX6 (peroxisomal biogenesis factor 6; minus strand). Cytogenetic location: 6p21.1.
Variant type: Deletion.
Coding change: c.1479+2del on transcript NM_000287.4 (MANE Select); the canonical splice donor site of the intron after coding-DNA position 1479, one base deleted (T; older notation c.1479+2delT).
Molecular consequence: splice donor variant.
Genome position (GRCh38, 1-based): chr6:42,968,872, A deleted on the plus strand (T on the coding strand, the reverse complement: PEX6 is on the minus strand). VCF-style (leftmost placement, unchanged base first): chr6-42968871-CA-C. GRCh37 (hg19) VCF-style: chr6-42936609-CA-C.
Other names: c.1215+2del (NM_001316313.2).
Identifiers: ClinVar variation 557926 (VCV000557926.5), dbSNP rs1554127383, ClinGen allele CA658821895.